The following is an entry in ClinVar:

NM_001292063.2(OTOG):c.7062dup (p.Asp2355Ter)

Gene: OTOG (otogelin; plus strand). Cytogenetic location: 11p15.1.
Variant type: Duplication.
Coding change: c.7062dup on transcript NM_001292063.2 (MANE Select); coding-DNA position 7062, one base duplicated (T; older notation c.7062dupT).
Protein change: p.Asp2355Ter; replaces aspartic acid 2355 with a stop codon.
Molecular consequence: nonsense.
Genome position (GRCh38, 1-based): chr11:17,632,216, T duplicated. VCF-style (leftmost placement, unchanged base first): chr11-17632215-C-CT. GRCh37 (hg19) VCF-style: chr11-17653762-C-CT.
Other names: c.7098dup, p.Asp2367Ter (NM_001277269.2); short protein forms D2355*, D2367*.
Identifiers: ClinVar variation 3254836 (VCV003254836.1), dbSNP rs1344999827.

ClinVar aggregate classification (germline): Pathogenic (1 of 4 stars; one submission).

Conditions:
Autosomal recessive nonsyndromic hearing loss 18B. Also called: Deafness, autosomal recessive 18b. Identifiers: Orphanet 90636, MedGen C3554163, MONDO:0013985, OMIM 614945.

Allele frequency attached by ClinVar (database versions not stated): TOPMed below 0.00001; gnomAD 0.00001.

Submission:

Victorian Clinical Genetics Services, Murdoch Childrens Research Institute
Classification: Pathogenic for Autosomal recessive nonsyndromic hearing loss 18B. Last evaluated: 2023-07-17. Review status: criteria provided, single submitter. Criteria: ACMG Guidelines, 2015. Collection method: clinical testing. Allele origin: germline. Inheritance: Autosomal recessive inheritance. Affected: yes.
Comment: Based on the classification scheme VCGS_Germline_v1.3.4, this variant is classified as Pathogenic. Following criteria are met: 0102 - Loss of function is a known mechanism of disease in this gene and is associated with deafness, autosomal recessive 18B (MIM#614945). (I) 0106 - This gene is associated with autosomal recessive disease. (I) 0201 - Variant is predicted to cause nonsense-mediated decay (NMD) and loss of protein (premature termination codon is located at least 54 nucleotides upstream of the final exon-exon junction). (SP) 0251 - This variant is heterozygous. (I) 0304 - Variant is present in gnomAD (v3) <0.01 for a recessive condition (1 heterozygote, 0 homozygotes). (SP) 0701 - Other NMD-predicted variants comparable to the one identified in this case have very strong previous evidence for pathogenicity. These variants have been reported many times as pathogenic (DECIPHER). (SP) 0807 - This variant has no previous evidence of pathogenicity. (I) 0905 - No published segregation evidence has been identified for this variant. (I) 1007 - No published functional evidence has been identified for this variant. (I) 1208 - Inheritance information for this variant is not currently available in this individual. (I) Legend: (SP) - Supporting pathogenic, (I) - Information, (SB) - Supporting benign